The following is an entry in ClinVar:

NM_016038.4(SBDS):c.314A>T (p.Glu105Val)

Gene: SBDS (SBDS ribosome maturation factor; minus strand). Cytogenetic location: 7q11.21.
Variant type: single nucleotide variant.
Coding change: c.314A>T on transcript NM_016038.4 (MANE Select); coding-DNA position 314, A replaced by T.
Protein change: p.Glu105Val; replaces glutamic acid 105 with valine.
Molecular consequence: missense variant.
Genome position (GRCh38, 1-based): chr7:66,993,362, T>A on the plus strand (A>T on the coding strand, the complement: SBDS is on the minus strand). VCF-style: chr7-66993362-T-A. GRCh37 (hg19) VCF-style: chr7-66458349-T-A.
Other names: short protein forms E105V.
Identifiers: ClinVar variation 4864072 (VCV004864072.1).
Genomic context (GRCh38, chr7:66,993,362, plus strand): 5'-TTTGTTTCAGGATTCACACATTTGTCTGCCACAATAGTTGCAATGTCCCTAAACATCTGC[T>A]CCAGTTGTGTGTGTCTTTCTTTATCTGATACTTGAACTTCTCCTTTAGTCAAAATCTAAA-3'
Protein context (NP_057122.2, residues 95-115): VSDKERHTQL[Glu105Val]QMFRDIATIV

ClinVar aggregate classification (germline): Uncertain significance (1 of 4 stars; one submission).

Conditions:
Inborn genetic diseases. Identifiers: MedGen C0950123, MeSH D030342.

Submission:

Ambry Genetics
Classification: Uncertain significance for Inborn genetic diseases. Last evaluated: 2026-06-06. Review status: criteria provided, single submitter. Criteria: Ambry Variant Classification Scheme 2023. Collection method: clinical testing. Allele origin: germline.
Comment: The p.E105V variant (also known as c.314A>T), located in coding exon 3 of the SBDS gene, results from an A to T substitution at nucleotide position 314. The glutamic acid at codon 105 is replaced by valine, an amino acid with dissimilar properties. This amino acid position is conserved. In addition, this alteration is predicted to be deleterious by in silico analysis. Based on the available evidence, the clinical significance of this variant remains unclear.